The following is an entry in ClinVar:

ClinVar aggregate classification (germline): Pathogenic (1 of 4 stars; one submission).

Submission:

Labcorp Genetics (formerly Invitae), Labcorp
Classification: Pathogenic. Last evaluated: 2023-06-09. Review status: criteria provided, single submitter. Criteria: Invitae Variant Classification Sherloc (09022015). Collection method: clinical testing. Allele origin: germline.
Comment: This sequence change creates a premature translational stop signal (p.Ile146Metfs*15) in the GHR gene. It is expected to result in an absent or disrupted protein product. Loss-of-function variants in GHR are known to be pathogenic (PMID: 1999489, 8488849). This variant is not present in population databases (gnomAD no frequency). This variant has not been reported in the literature in individuals affected with GHR-related conditions. For these reasons, this variant has been classified as Pathogenic.

Literature cited by the submitters: PubMed 1999489; PubMed 8488849.

NM_000163.5(GHR):c.438del (p.Ile146fs)

Gene: GHR (growth hormone receptor; plus strand). Cytogenetic location: 5p12.
Variant type: Deletion.
Coding change: c.438del on transcript NM_000163.5 (MANE Select); coding-DNA position 438, one base deleted (A; older notation c.438delA).
Protein change: p.Ile146fs; shifts the reading frame from isoleucine 146.
Molecular consequence: frameshift variant.
Genome position (GRCh38, 1-based): chr5:42,695,088, A deleted. VCF-style (leftmost placement, unchanged base first): chr5-42695087-TA-T. GRCh37 (hg19) VCF-style: chr5-42695189-TA-T.
Other names: c.459del, p.Ile153fs (NM_001242399.2); c.438del, p.Ile146fs (NM_001242400.2, NM_001242401.4, NM_001242402.2 and 5 more transcripts); c.372delA, p.Ile124Metfs (NM_001242460.2); short protein forms I146fs, I153fs, I124fs.
Identifiers: ClinVar variation 2855536 (VCV002855536.3), dbSNP rs2530670732, ClinGen allele CA2739274694.